The following is an entry in ClinVar:

ClinVar aggregate classification (germline): Benign/Likely benign. Review status: criteria provided, multiple submitters, no conflicts (2 of 4 stars). 3 submissions from 3 submitters: Benign (1); Likely benign (2). Last evaluated 2026-09-01.

Allele frequency attached by ClinVar (database versions not stated): gnomAD 0.00071 and 0.00074; TOPMed 0.00072; gnomAD exomes 0.00080 and 0.00115; ExAC 0.00088; ESP Exome Variant Server 0.00138.
gnomAD v4.1: 1,770 of 1,608,612 alleles (0.11%); highest among the groups gnomAD compares: Non-Finnish European, 0.14%; 2 homozygotes.

Submissions (3):

CeGaT Center for Human Genetics Tuebingen
Classification: Likely benign. Last evaluated: 2026-09-01. Review status: criteria provided, single submitter. Criteria: CeGaT Center For Human Genetics Tuebingen Variant Classification Criteria Version 2. Collection method: clinical testing. Allele origin: germline. Affected: yes. Observed: 6 variant alleles.
Comment: CAMTA1: BP4, BS1

Labcorp Genetics (formerly Invitae), Labcorp
Classification: Benign. Last evaluated: 2026-01-12. Review status: criteria provided, single submitter. Criteria: Invitae Variant Classification Sherloc (09022015). Collection method: clinical testing. Allele origin: germline.

Blueprint Genetics
Classification: Likely benign. Last evaluated: 2024-11-14. Review status: criteria provided, single submitter. Criteria: ACMG Guidelines, 2015. Collection method: clinical testing. Allele origin: germline.

NM_015215.4(CAMTA1):c.4731C>T (p.Ile1577=)

Gene: CAMTA1 (calmodulin binding transcription activator 1; plus strand). Cytogenetic location: 1p36.23.
Variant type: single nucleotide variant.
Coding change: c.4731C>T on transcript NM_015215.4 (MANE Select); coding-DNA position 4731, C replaced by T.
Protein change: p.Ile1577=; no amino-acid change (isoleucine 1577 retained).
Molecular consequence: synonymous variant.
Genome position (GRCh38, 1-based): chr1:7,751,240, C>T. VCF-style: chr1-7751240-C-T. GRCh37 (hg19) VCF-style: chr1-7811300-C-T.
Other names: c.4641C>T, p.Ile1547= (NM_001349608.2); c.4413C>T, p.Ile1471= (NM_001349609.2, NM_001349610.2); c.4323C>T, p.Ile1441= (NM_001349612.2); c.1860C>T, p.Ile620= (NM_001349613.1); c.1824C>T, p.Ile608= (NM_001349614.1, NM_001349615.2, NM_001349616.2); c.1803C>T, p.Ile601= (NM_001349617.1, NM_001349618.2); c.1485C>T, p.Ile495= (NM_001349619.2, NM_001349620.1, NM_001349621.1 and 1 more transcripts); c.1464C>T, p.Ile488= (NM_001349623.1, NM_001349624.3, NM_001349625.2 and 1 more transcripts).
Identifiers: ClinVar variation 715790 (VCV000715790.33), dbSNP rs140556422, ClinGen allele CA567246.